The following is an entry in ClinVar:

ClinVar aggregate classification (germline): Uncertain significance (1 of 4 stars; one submission).

Conditions:
Autosomal recessive limb-girdle muscular dystrophy type 2J (LGMDR10). Also called: Limb-girdle muscular dystrophy, type 2J; MUSCULAR DYSTROPHY, LIMB-GIRDLE, AUTOSOMAL RECESSIVE 10. Identifiers: Orphanet 140922, MedGen C1837342, MONDO:0012127, OMIM 608807.
Dilated cardiomyopathy 1G (CMD1G). Identifiers: Orphanet 154, MedGen C1858763, MONDO:0011400, OMIM 604145.

Submission:

Labcorp Genetics (formerly Invitae), Labcorp
Classification: Uncertain significance for Dilated cardiomyopathy 1G; Autosomal recessive limb-girdle muscular dystrophy type 2J. Last evaluated: 2026-01-27. Review status: criteria provided, single submitter. Criteria: Invitae Variant Classification Sherloc (09022015). Collection method: clinical testing. Allele origin: germline.
Comment: This sequence change replaces valine, which is neutral and non-polar, with isoleucine, which is neutral and non-polar, at codon 21859 of the TTN protein (p.Val21859Ile). This variant also falls at the last nucleotide of exon 312, which is part of the consensus splice site for this exon. This variant is not present in population databases (gnomAD no frequency). This variant has not been reported in the literature in individuals affected with TTN-related conditions. Experimental studies and prediction algorithms are not available or were not evaluated, and the functional significance of this variant is currently unknown. Variants that disrupt the consensus splice site are a relatively common cause of aberrant splicing (PMID: 17576681, 9536098). Algorithms developed to predict the effect of sequence changes on RNA splicing suggest that this variant may disrupt the consensus splice site. This variant is located in the A band of TTN (PMID: 25589632). Variants in this region may be relevant for cardiac or neuromuscular disorders (PMID: 25589632, 23975875). In summary, the available evidence is currently insufficient to determine the role of this variant in disease. Therefore, it has been classified as a Variant of Uncertain Significance.

Literature cited by the submitters: PubMed 17576681; PubMed 9536098; PubMed 25589632; PubMed 23975875.

NM_001267550.2(TTN):c.65575G>A (p.Val21859Ile)

Genes: TTN-AS1 (TTN antisense RNA 1; plus strand), TTN (titin; minus strand). Cytogenetic location: 2q31.2.
Variant type: single nucleotide variant.
Coding change: c.65575G>A on transcript NM_001267550.2 (MANE Select); coding-DNA position 65575, G replaced by A.
Protein change: p.Val21859Ile; replaces valine 21859 with isoleucine.
Molecular consequence: missense variant. On other transcripts: non-coding transcript variant (1).
Genome position (GRCh38, 1-based): chr2:178,583,607, C>T on the plus strand (G>A on the coding strand, the complement: TTN is on the minus strand). VCF-style: chr2-178583607-C-T. GRCh37 (hg19) VCF-style: chr2-179448334-C-T.
Other names: c.60652G>A, p.Val20218Ile (NM_001256850.1); c.38380G>A, p.Val12794Ile (NM_003319.4); c.57871G>A, p.Val19291Ile (NM_133378.4); c.38755G>A, p.Val12919Ile (NM_133432.3); c.38956G>A, p.Val12986Ile (NM_133437.4); short protein forms V12986I, V21859I, V12794I, V12919I, V19291I, V20218I.
Identifiers: ClinVar variation 4786249 (VCV004786249.1).
Genomic context (GRCh38, chr2:178,583,607, plus strand): 5'-GAAAAATGACCATCATGAATGCTGTTACATCTTTGCCTATAATACTCAGCAGAATCTTAC[C>T]ATTTTCTGCGAGGATAGTCACTGGATCAGAAGGTTCAGAAGGTGGGCTAATGTTTACCGC-3'
Protein context (NP_001254479.2, residues 21849-21869): SDPVTILAEN[Val21859Ile]PPRIDLSVAM